The following is an entry in ClinVar:

NM_000368.5(TSC1):c.3278G>T (p.Arg1093Leu)

Gene: TSC1 (TSC complex subunit 1; minus strand). Cytogenetic location: 9q34.13.
Variant type: single nucleotide variant.
Coding change: c.3278G>T on transcript NM_000368.5 (MANE Select); coding-DNA position 3278, G replaced by T.
Protein change: p.Arg1093Leu; replaces arginine 1093 with leucine.
Molecular consequence: missense variant. On other transcripts: non-coding transcript variant (5).
Genome position (GRCh38, 1-based): chr9:132,896,452, C>A on the plus strand (G>T on the coding strand, the complement: TSC1 is on the minus strand). VCF-style: chr9-132896452-C-A. GRCh37 (hg19) VCF-style: chr9-135771839-C-A.
Other names: c.3278G>T, p.Arg1093Leu (NM_001406595.1, NM_001406596.1, NM_001406592.1 and 2 more transcripts); c.3275G>T, p.Arg1092Leu (NM_001406597.1, NM_001406598.1, NM_001406599.1 and 2 more transcripts); c.3263G>T, p.Arg1088Leu (NM_001406601.1, NM_001406602.1); c.3260G>T, p.Arg1087Leu (NM_001406603.1, NM_001406604.1); c.3236G>T, p.Arg1079Leu (NM_001406605.1, NM_001406606.1, NM_001406607.1); c.3233G>T, p.Arg1078Leu (NM_001406608.1, NM_001406609.1); c.3125G>T, p.Arg1042Leu (NM_001406610.1, NM_001162427.2); c.3122G>T, p.Arg1041Leu (NM_001406611.1, NM_001406612.1); and 8 more; short protein forms R1027L, R1041L, R1078L, R1087L, R776L, R972L, R1079L, R1088L.
Identifiers: ClinVar variation 3462452 (VCV003462452.2).

ClinVar aggregate classification (germline): Uncertain significance. Review status: criteria provided, multiple submitters, no conflicts (2 of 4 stars). 2 submissions from 2 submitters: Uncertain significance (2). Last evaluated 2025-11-22.

Conditions:
Tuberous sclerosis 1 (TSC1). Identifiers: Orphanet 805, MedGen C1854465, MONDO:0008612, OMIM 191100.
Hereditary cancer-predisposing syndrome. Also called: Hereditary Cancer Syndrome; Hereditary neoplastic syndrome; Neoplastic Syndromes, Hereditary; Tumor predisposition. Identifiers: Orphanet 140162, MedGen C0027672, MeSH D009386, MONDO:0015356.

gnomAD v4.1: 1 of 1,614,172 alleles (0.000062%); no homozygotes.

Submissions (2):

Labcorp Genetics (formerly Invitae), Labcorp
Classification: Uncertain significance for Tuberous sclerosis 1. Last evaluated: 2025-11-22. Review status: criteria provided, single submitter. Criteria: Invitae Variant Classification Sherloc (09022015). Collection method: clinical testing. Allele origin: germline.
Comment: This sequence change replaces arginine, which is basic and polar, with leucine, which is neutral and non-polar, at codon 1093 of the TSC1 protein (p.Arg1093Leu). This variant is not present in population databases (gnomAD no frequency). This variant has not been reported in the literature in individuals affected with TSC1-related conditions. ClinVar contains an entry for this variant (Variation ID: 3462452). Invitae Evidence Modeling of protein sequence and biophysical properties (such as structural, functional, and spatial information, amino acid conservation, physicochemical variation, residue mobility, and thermodynamic stability) indicates that this missense variant is not expected to disrupt TSC1 protein function with a negative predictive value of 95%. In summary, the available evidence is currently insufficient to determine the role of this variant in disease. Therefore, it has been classified as a Variant of Uncertain Significance.

Ambry Genetics
Classification: Uncertain significance for Hereditary cancer-predisposing syndrome. Last evaluated: 2024-07-29. Review status: criteria provided, single submitter. Criteria: Ambry Variant Classification Scheme 2023. Collection method: clinical testing. Allele origin: germline.
Comment: The p.R1093L variant (also known as c.3278G>T), located in coding exon 21 of the TSC1 gene, results from a G to T substitution at nucleotide position 3278. The arginine at codon 1093 is replaced by leucine, an amino acid with dissimilar properties. This amino acid position is highly conserved in available vertebrate species. In addition, this alteration is predicted to be deleterious by in silico analysis. Based on the available evidence, the clinical significance of this variant remains unclear.